The following is an entry in ClinVar:

NM_007294.4(BRCA1):c.1944A>G (p.Glu648=)

Gene: BRCA1 (BRCA1 DNA repair associated; minus strand). Cytogenetic location: 17q21.31.
Variant type: single nucleotide variant.
Coding change: c.1944A>G on transcript NM_007294.4 (MANE Select); coding-DNA position 1944, A replaced by G.
Protein change: p.Glu648=; no amino-acid change (glutamic acid 648 retained).
Molecular consequence: synonymous variant. On other transcripts: intron variant (137).
Genome position (GRCh38, 1-based): chr17:43,093,587, T>C on the plus strand (A>G on the coding strand, the complement: BRCA1 is on the minus strand). VCF-style: chr17-43093587-T-C. GRCh37 (hg19) VCF-style: chr17-41245604-T-C.
Other names: c.1731A>G, p.Glu577= (NM_001407571.1, NM_001407853.1, NM_001407894.1 and 9 more transcripts); c.1944A>G, p.Glu648= (NM_001407581.1, NM_001407582.1, NM_001407583.1 and 30 more transcripts); c.1941A>G, p.Glu647= (NM_001407587.1, NM_001407590.1, NM_001407591.1 and 22 more transcripts); c.1935A>G, p.Glu645= (NM_001407646.1, NM_001407647.1); c.1821A>G, p.Glu607= (NM_001407648.1, NM_001407664.1, NM_001407665.1 and 19 more transcripts); c.1818A>G, p.Glu606= (NM_001407649.1, NM_001407670.1, NM_001407671.1 and 11 more transcripts); c.1866A>G, p.Glu622= (NM_001407653.1, NM_001407654.1, NM_001407655.1 and 4 more transcripts); c.1863A>G, p.Glu621= (NM_001407659.1, NM_001407660.1, NM_001407661.1 and 1 more transcripts); and 40 more.
Identifiers: ClinVar variation 233993 (VCV000233993.25), dbSNP rs876660781, ClinGen allele CA10580641.

ClinVar aggregate classification (germline): Likely benign. Review status: reviewed by expert panel (3 of 4 stars). 8 submissions from 8 submitters: Likely benign (1). 7 of the submissions do not count toward it. Last evaluated 2017-06-29.

Conditions:
Breast-ovarian cancer, familial, susceptibility to, 1 (BROVCA1). Also called: BRCA1 Hereditary Breast and Ovarian Cancer; OVARIAN CANCER, SUSCEPTIBILITY TO. Identifiers: Orphanet 145, MedGen C2676676, MONDO:0011450, OMIM 604370. Disease mechanism: loss of function.
Hereditary breast ovarian cancer syndrome. Also called: Breast and ovarian cancer; Hereditary breast and ovarian cancer; Hereditary breast and ovarian cancer syndrome; Hereditary breast and/or ovarian cancer syndrome; BRCA1- and BRCA2-Associated Hereditary Breast and Ovarian Cancer; Hereditary breast and ovarian cancer syndrome (HBOC). Identifiers: Orphanet 145, MedGen C0677776, MeSH D061325, MONDO:0003582. Disease mechanism: loss of function.
Hereditary cancer-predisposing syndrome. Also called: Tumor predisposition; Hereditary Cancer Syndrome; Neoplastic Syndromes, Hereditary; Hereditary neoplastic syndrome. Identifiers: Orphanet 140162, MedGen C0027672, MeSH D009386, MONDO:0015356.

Allele frequency attached by ClinVar (database versions not stated): TOPMed below 0.00001; gnomAD 0.00001; gnomAD exomes 0.00001.
gnomAD v4.1: 12 of 1,613,938 alleles (0.00074%); highest among the groups gnomAD compares: Non-Finnish European, 0.001%; no homozygotes.

Submissions (8):

Evidence-based Network for the Interpretation of Germline Mutant Alleles (ENIGMA)
Classification: Likely benign for Breast-ovarian cancer, familial, susceptibility to, 1. Last evaluated: 2017-06-29. Review status: reviewed by expert panel. Criteria: ENIGMA BRCA1/2 Classification Criteria (2017-06-29). Collection method: curation. Allele origin: germline.
Comment: Synonymous substitution variant, with low bioinformatic likelihood to result in a splicing aberration (Splicing prior probability 0.02).

Labcorp Genetics (formerly Invitae), Labcorp
Classification: Likely benign for Hereditary breast ovarian cancer syndrome. Last evaluated: 2026-01-08. Review status: criteria provided, single submitter. Criteria: Invitae Variant Classification Sherloc (09022015). Collection method: clinical testing. Allele origin: germline. Not counted in ClinVar's aggregate classification.

Blueprint Genetics
Classification: Likely benign. Last evaluated: 2024-03-18. Review status: criteria provided, single submitter. Criteria: ACMG Guidelines, 2015. Collection method: clinical testing. Allele origin: germline. Not counted in ClinVar's aggregate classification.

All of Us Research Program, National Institutes of Health
Classification: Likely benign for Breast-ovarian cancer, familial, susceptibility to, 1. Last evaluated: 2023-11-20. Review status: criteria provided, single submitter. Criteria: ACMG Guidelines, 2015. Collection method: clinical testing. Allele origin: germline. Inheritance: Autosomal dominant inheritance. Observed: 2 variant alleles, 2 heterozygotes. Not counted in ClinVar's aggregate classification.
Comment: This study involves interpretation of variants in research participants for the purpose of population health screening. Participant phenotype was not available at the time of variant classification. Additional details can be found in publication PMID: 35346344, PMCID: PMC8962531

Women's Health and Genetics/Laboratory Corporation of America, LabCorp
Classification: Likely benign. Last evaluated: 2019-08-21. Review status: criteria provided, single submitter. Criteria: LabCorp Variant Classification Summary - May 2015. Collection method: clinical testing. Allele origin: germline. Not counted in ClinVar's aggregate classification.

Color Diagnostics, LLC DBA Color Health
Classification: Likely benign for Hereditary cancer-predisposing syndrome. Last evaluated: 2017-11-30. Review status: criteria provided, single submitter. Criteria: ACMG Guidelines, 2015. Collection method: clinical testing. Allele origin: germline. Not counted in ClinVar's aggregate classification.

GeneDx
Classification: Likely benign. Last evaluated: 2016-07-18. Review status: criteria provided, single submitter. Criteria: GeneDx Variant Classification (06012015). Collection method: clinical testing. Allele origin: germline. Affected: yes. Not counted in ClinVar's aggregate classification.
Comment: This variant is considered likely benign or benign based on one or more of the following criteria: it is a conservative change, it occurs at a poorly conserved position in the protein, it is predicted to be benign by multiple in silico algorithms, and/or has population frequency not consistent with disease.

Ambry Genetics
Classification: Likely benign for Hereditary cancer-predisposing syndrome. Last evaluated: 2015-09-19. Review status: criteria provided, single submitter. Criteria: Ambry Variant Classification Scheme 2023. Collection method: clinical testing. Allele origin: germline. Not counted in ClinVar's aggregate classification.